The following is an entry in ClinVar:

ClinVar aggregate classification (germline): Uncertain significance. Review status: criteria provided, multiple submitters, no conflicts (2 of 4 stars). 2 submissions from 2 submitters: Uncertain significance (2). Last evaluated 2024-06-29.

Conditions:
Hereditary cancer-predisposing syndrome. Also called: Neoplastic Syndromes, Hereditary; Tumor predisposition; Hereditary neoplastic syndrome; Hereditary Cancer Syndrome. Identifiers: Orphanet 140162, MedGen C0027672, MeSH D009386, MONDO:0015356.
Tuberous sclerosis 1 (TSC1). Identifiers: Orphanet 805, MedGen C1854465, MONDO:0008612, OMIM 191100.

Submissions (2):

Labcorp Genetics (formerly Invitae), Labcorp
Classification: Uncertain significance for Tuberous sclerosis 1. Last evaluated: 2024-06-29. Review status: criteria provided, single submitter. Criteria: Invitae Variant Classification Sherloc (09022015). Collection method: clinical testing. Allele origin: germline.
Comment: This sequence change replaces valine, which is neutral and non-polar, with methionine, which is neutral and non-polar, at codon 277 of the TSC1 protein (p.Val277Met). This variant is not present in population databases (gnomAD no frequency). This variant has not been reported in the literature in individuals affected with TSC1-related conditions. ClinVar contains an entry for this variant (Variation ID: 1762798). Advanced modeling of protein sequence and biophysical properties (such as structural, functional, and spatial information, amino acid conservation, physicochemical variation, residue mobility, and thermodynamic stability) performed at Invitae indicates that this missense variant is not expected to disrupt TSC1 protein function with a negative predictive value of 95%. In summary, the available evidence is currently insufficient to determine the role of this variant in disease. Therefore, it has been classified as a Variant of Uncertain Significance.

Ambry Genetics
Classification: Uncertain significance for Hereditary cancer-predisposing syndrome. Last evaluated: 2022-08-05. Review status: criteria provided, single submitter. Criteria: Ambry Variant Classification Scheme 2023. Collection method: clinical testing. Allele origin: germline.
Comment: The p.V277M variant (also known as c.829G>A), located in coding exon 7 of the TSC1 gene, results from a G to A substitution at nucleotide position 829. The valine at codon 277 is replaced by methionine, an amino acid with highly similar properties. This amino acid position is conserved. In addition, this alteration is predicted to be tolerated by in silico analysis. Since supporting evidence is limited at this time, the clinical significance of this alteration remains unclear.

NM_000368.5(TSC1):c.829G>A (p.Val277Met)

Gene: TSC1 (TSC complex subunit 1; minus strand). Cytogenetic location: 9q34.13.
Variant type: single nucleotide variant.
Coding change: c.829G>A on transcript NM_000368.5 (MANE Select); coding-DNA position 829, G replaced by A.
Protein change: p.Val277Met; replaces valine 277 with methionine.
Molecular consequence: missense variant.
Genome position (GRCh38, 1-based): chr9:132,912,366, C>T on the plus strand (G>A on the coding strand, the complement: TSC1 is on the minus strand). VCF-style: chr9-132912366-C-T. GRCh37 (hg19) VCF-style: chr9-135787753-C-T.
Other names: c.829G>A, p.Val277Met (NM_001162426.2, NM_001406592.1, NM_001406593.1 and 16 more transcripts); c.676G>A, p.Val226Met (NM_001162427.2, NM_001406610.1, NM_001406611.1 and 2 more transcripts); c.466G>A, p.Val156Met (NM_001362177.2, NM_001406615.1, NM_001406616.1 and 10 more transcripts); c.-123G>A (NM_001406626.1, NM_001406627.1, NM_001406628.1); c.-265G>A (NM_001406629.1, NM_001406630.1); short protein forms V226M, V277M, V156M.
Identifiers: ClinVar variation 1762798 (VCV001762798.4), dbSNP rs2132000169, ClinGen allele CA375369346.
Genomic context (GRCh38, chr9:132,912,366, plus strand): 5'-AAGGGCTGGTGGTGACATCGGCTGAACGATGAGGAAAGCGGGCTGAGATTTGGTGAGACA[C>T]AGAATAGCCATCTTCATATGAGGCTTCTGTGGGATCCAGAGAGATTTTGGCACACTCGAT-3'
Protein context (NP_000359.1, residues 267-287): TEASYEDGYS[Val277Met]SHQISARFPH